The following is an entry in ClinVar:

NM_145239.3(PRRT2):c.106C>A (p.Gln36Lys)

Genes: MVP-DT (MVP divergent transcript; minus strand), PRRT2 (proline rich transmembrane protein 2; plus strand). Cytogenetic location: 16p11.2.
Variant type: single nucleotide variant.
Coding change: c.106C>A on transcript NM_145239.3 (MANE Select); coding-DNA position 106, C replaced by A.
Protein change: p.Gln36Lys; replaces glutamine 36 with lysine.
Molecular consequence: missense variant.
Genome position (GRCh38, 1-based): chr16:29,813,160, C>A. VCF-style: chr16-29813160-C-A. GRCh37 (hg19) VCF-style: chr16-29824481-C-A.
Other names: c.106C>A, p.Gln36Lys (NM_001256442.2, NM_001256443.2); short protein forms Q36K.
Identifiers: ClinVar variation 2908994 (VCV002908994.3), dbSNP rs2543331243, ClinGen allele CA395477301.

ClinVar aggregate classification (germline): Uncertain significance (1 of 4 stars; one submission).

Conditions:
Episodic kinesigenic dyskinesia (EKD). Also called: Paroxysmal kinesigenic dyskinesia. Identifiers: Orphanet 98809, MedGen C1868682, MONDO:0044202.

Submission:

Labcorp Genetics (formerly Invitae), Labcorp
Classification: Uncertain significance for Episodic kinesigenic dyskinesia. Last evaluated: 2023-01-15. Review status: criteria provided, single submitter. Criteria: Invitae Variant Classification Sherloc (09022015). Collection method: clinical testing. Allele origin: germline.
Comment: In summary, the available evidence is currently insufficient to determine the role of this variant in disease. Therefore, it has been classified as a Variant of Uncertain Significance. Advanced modeling of protein sequence and biophysical properties (such as structural, functional, and spatial information, amino acid conservation, physicochemical variation, residue mobility, and thermodynamic stability) performed at Invitae indicates that this missense variant is not expected to disrupt PRRT2 protein function. This variant has not been reported in the literature in individuals affected with PRRT2-related conditions. This variant is not present in population databases (gnomAD no frequency). This sequence change replaces glutamine, which is neutral and polar, with lysine, which is basic and polar, at codon 36 of the PRRT2 protein (p.Gln36Lys).